The following is an entry in ClinVar:

NM_016653.3(MAP3K20):c.1517A>G (p.Lys506Arg)

Genes: MAP3K20 (mitogen-activated protein kinase kinase kinase 20; plus strand), MAP3K20-AS1 (MAP3K20 antisense RNA 1; minus strand). Cytogenetic location: 2q31.1.
Variant type: single nucleotide variant.
Coding change: c.1517A>G on transcript NM_016653.3 (MANE Select); coding-DNA position 1517, A replaced by G.
Protein change: p.Lys506Arg; replaces lysine 506 with arginine.
Molecular consequence: missense variant.
Genome position (GRCh38, 1-based): chr2:173,261,103, A>G. VCF-style: chr2-173261103-A-G. GRCh37 (hg19) VCF-style: chr2-174125831-A-G.
Other names: short protein forms K506R.
Identifiers: ClinVar variation 1402181 (VCV001402181.6), dbSNP rs2106356552, ClinGen allele CA349316522.
Genomic context (GRCh38, chr2:173,261,103, plus strand): 5'-TCCTAACTTTTGTTTTTCAGCCACCATTTGTAATGGAGAAGTGGATTGTAGGAATAGCAA[A>G]AAGTCAGACTGTGGAGTGCACTGTCACATATGAGGTAAGCTCTGGGGGCAAGAGGCTGGT-3'
Protein context (NP_057737.2, residues 496-516): VMEKWIVGIA[Lys506Arg]SQTVECTVTY

ClinVar aggregate classification (germline): Uncertain significance (1 of 4 stars; one submission).

Submission:

Labcorp Genetics (formerly Invitae), Labcorp
Classification: Uncertain significance. Last evaluated: 2021-09-09. Review status: criteria provided, single submitter. Criteria: Invitae Variant Classification Sherloc (09022015). Collection method: clinical testing. Allele origin: germline.
Comment: This variant is not present in population databases (ExAC no frequency). This sequence change replaces lysine with arginine at codon 506 of the MAP3K20 protein (p.Lys506Arg). The lysine residue is weakly conserved and there is a small physicochemical difference between lysine and arginine. In summary, the available evidence is currently insufficient to determine the role of this variant in disease. Therefore, it has been classified as a Variant of Uncertain Significance. Experimental studies and prediction algorithms are not available or were not evaluated, and the functional significance of this variant is currently unknown. This variant has not been reported in the literature in individuals affected with MAP3K20-related conditions.